The following is an entry in ClinVar:

ClinVar aggregate classification (germline): Pathogenic (1 of 4 stars; one submission).

Conditions:
Bloom syndrome (BLM). Also called: Bloom-Torre-Machacek syndrome. Identifiers: Orphanet 125, MedGen C0005859, MONDO:0008876, OMIM 210900.

Submission:

Labcorp Genetics (formerly Invitae), Labcorp
Classification: Pathogenic for Bloom syndrome. Last evaluated: 2021-03-27. Review status: criteria provided, single submitter. Criteria: Invitae Variant Classification Sherloc (09022015). Collection method: clinical testing. Allele origin: germline.
Comment: For these reasons, this variant has been classified as Pathogenic. This variant has not been reported in the literature in individuals with BLM-related conditions. This variant is not present in population databases (ExAC no frequency). This sequence change creates a premature translational stop signal (p.Lys195*) in the BLM gene. It is expected to result in an absent or disrupted protein product. Loss-of-function variants in BLM are known to be pathogenic (PMID: 17407155).

Literature cited by the submitters: PubMed 17407155.

NM_000057.4(BLM):c.583A>T (p.Lys195Ter)

Gene: BLM (BLM RecQ like helicase; plus strand). Cytogenetic location: 15q26.1.
Variant type: single nucleotide variant.
Coding change: c.583A>T on transcript NM_000057.4 (MANE Select); coding-DNA position 583, A replaced by T.
Protein change: p.Lys195Ter; replaces lysine 195 with a stop codon.
Molecular consequence: nonsense. On other transcripts: 5 prime UTR variant (1).
Genome position (GRCh38, 1-based): chr15:90,749,851, A>T. VCF-style: chr15-90749851-A-T. GRCh37 (hg19) VCF-style: chr15-91293081-A-T.
Other names: c.583A>T, p.Lys195Ter (NM_001287246.2, NM_001287247.2); c.-709A>T (NM_001287248.2); short protein forms K195*.
Identifiers: ClinVar variation 1364586 (VCV001364586.6), dbSNP rs2151147654, ClinGen allele CA393841107.